The following is an entry in ClinVar:

ClinVar aggregate classification (germline): Pathogenic. Review status: criteria provided, multiple submitters, no conflicts (2 of 4 stars). 14 submissions from 14 submitters: Pathogenic (10). 4 of the submissions do not count toward it. Last evaluated 2025-11-04.

Conditions:
Medium-chain acyl-coenzyme A dehydrogenase deficiency (ACADMD). Also called: CARNITINE DEFICIENCY SECONDARY TO MEDIUM-CHAIN ACYL-CoA DEHYDROGENASE DEFICIENCY; ACADM DEFICIENCY; MCADH DEFICIENCY; Medium chain acyl-CoA dehydrogenase deficiency; MCAD Deficiency; MCADD. Identifiers: Orphanet 42, MedGen C0220710, MONDO:0008721, OMIM 201450.

Submissions (14):

Natera, Inc.
Classification: Pathogenic for Medium Chain Acyl-CoA Dehydrogenase Deficiency. Last evaluated: 2025-11-04. Review status: criteria provided, single submitter. Criteria: Natera Variant Classification Schema (03/2026). Collection method: clinical testing. Allele origin: germline.
Comment: The c.449_452delCTGA variant in ACADM is a frameshift variant predicted to shift the reading frame beginning at codon 150 and leads to a stop codon 4 codons downstream. This variant is expected to result in nonsense mediated decay, truncation, or a dysfunctional protein product. This variant is rare in the general population with a frequency below the threshold expected for the associated phenotype(s). This variant has been observed in one or more individuals affected with the associated recessive disease, as either homozygous or compound heterozygous with a second variant (PMID: 19064330). Given the available evidence, this variant is classified as Pathogenic.

Labcorp Genetics (formerly Invitae), Labcorp
Classification: Pathogenic for Medium-chain acyl-coenzyme A dehydrogenase deficiency. Last evaluated: 2025-09-04. Review status: criteria provided, single submitter. Criteria: Invitae Variant Classification Sherloc (09022015). Collection method: clinical testing. Allele origin: germline.
Comment: This sequence change creates a premature translational stop signal (p.Thr150Argfs*4) in the ACADM gene. It is expected to result in an absent or disrupted protein product. Loss-of-function variants in ACADM are known to be pathogenic (PMID: 16121256, 20434380). This variant is present in population databases (rs757500332, gnomAD 0.03%). This premature translational stop signal has been observed in individuals with MCAD deficiency (PMID: 15915086, 19064330, 22796001, 25503862). It has also been observed to segregate with disease in related individuals. ClinVar contains an entry for this variant (Variation ID: 189036). Algorithms developed to predict the effect of sequence changes on RNA splicing suggest that this variant may disrupt the consensus splice site. For these reasons, this variant has been classified as Pathogenic.

Baylor Genetics
Classification: Pathogenic for Medium-chain acyl-coenzyme A dehydrogenase deficiency. Last evaluated: 2024-03-20. Review status: criteria provided, single submitter. Criteria: ACMG Guidelines, 2015. Collection method: clinical testing. Allele origin: unknown.

Fulgent Genetics
Classification: Pathogenic for Medium-chain acyl-coenzyme A dehydrogenase deficiency. Last evaluated: 2024-03-08. Review status: criteria provided, single submitter. Criteria: ACMG Guidelines, 2015. Collection method: clinical testing. Allele origin: germline.

Quest Diagnostics Nichols Institute San Juan Capistrano
Classification: Pathogenic. Last evaluated: 2022-12-22. Review status: criteria provided, single submitter. Criteria: Quest Diagnostics criteria. Collection method: clinical testing. Allele origin: unknown.
Comment: This frameshift variant alters the translational reading frame of the ACADM mRNA and causes the premature termination of ACADM protein synthesis. The frequency of this variant in the general population, 0.00027 (5/18392 chromosomes), is consistent with pathogenicity. In the published literature, the variant has been reported in individuals with medium-chain acyl-CoA dehydrogenase (MCAD) deficiency (PMID: 15915086 (2005), 19064330 (2009), 21239873 (2011), 22796001 (2012), 25503862 (2015), 27856190 (2016), and 33841490 (2021)). Based on the available information, this variant is classified as pathogenic.

Beijing Key Laboratry for Genetics of Birth Defects, Beijing Children's Hospital
Classification: Pathogenic for Medium-chain acyl-coenzyme A dehydrogenase deficiency. Last evaluated: 2020-02-28. Review status: criteria provided, single submitter. Criteria: ACMG Guidelines, 2015. Collection method: clinical testing. Allele origin: germline. Affected: yes. Observed: 1 variant allele.

Women's Health and Genetics/Laboratory Corporation of America, LabCorp
Classification: Pathogenic for Medium-chain acyl-coenzyme A dehydrogenase deficiency. Last evaluated: 2019-09-09. Review status: criteria provided, single submitter. Criteria: LabCorp Variant Classification Summary - May 2015. Collection method: clinical testing. Allele origin: germline.
Comment: Variant summary: ACADM c.449_452delCTGA (p.Thr150ArgfsX4) results in a premature termination codon, predicted to cause a truncation of the encoded protein or absence of the protein due to nonsense mediated decay, which are commonly known mechanisms for disease. The variant allele was found at a frequency of 2e-05 in 251336 control chromosomes (gnomAD). c.449_452delCTGA has been reported in the literature in compound heterozygous and homozygous individuals affected with Medium Chain Acyl-CoA Dehydrogenase Deficiency (Ensenauer_2005, Purevsuren_2009). These data indicate that the variant is very likely to be associated with disease. Three clinical diagnostic laboratories have submitted clinical-significance assessments for this variant to ClinVar after 2014 without evidence for independent evaluation. All laboratories classified the variant as pathogenic. Based on the evidence outlined above, the variant was classified as pathogenic.

Eurofins Ntd Llc (ga)
Classification: Pathogenic. Last evaluated: 2017-03-02. Review status: criteria provided, single submitter. Criteria: EGL Classification Definitions 2015. Collection method: clinical testing. Allele origin: germline. Observed: 1 variant allele, 1 heterozygote.

ARUP Laboratories, Molecular Genetics and Genomics, ARUP Laboratories
Classification: Pathogenic for Medium-chain acyl-coenzyme A dehydrogenase deficiency. Last evaluated: 2015-02-20. Review status: criteria provided, single submitter. Criteria: ACMG Guidelines, 2015. Collection method: clinical testing. Allele origin: germline. Inheritance: Autosomal recessive inheritance. Observed: 1 heterozygote.

Juno Genomics, Hangzhou Juno Genomics, Inc
Classification: Pathogenic for Medium-chain acyl-coenzyme A dehydrogenase deficiency. Review status: criteria provided, single submitter. Criteria: ACMG Guidelines, 2015. Collection method: clinical testing. Allele origin: germline.
Comment: Absent from controls (or at extremely low frequency if recessive) in Genome Aggregation Database.;Null variant in a gene where loss of function (LOF) is a known mechanism of disease.;For recessive disorders, detected in trans with a pathogenic variant.;Patient's phenotype or family history is highly specific for a disease with a single genetic etiology.

OMIM
Classification: Pathogenic for MCAD DEFICIENCY. Last evaluated: 2024-04-04. Review status: no assertion criteria provided. Collection method: literature only. Allele origin: germline. Not counted in ClinVar's aggregate classification.

Counsyl
Classification: Pathogenic for Medium-chain acyl-coenzyme A dehydrogenase deficiency. Last evaluated: 2018-02-22. Review status: no assertion criteria provided. Collection method: clinical testing. Allele origin: unknown. Not counted in ClinVar's aggregate classification.

Developmental and Behavioral Pediatrics, First Affiliated Hospital of Jilin University
Classification: Likely pathogenic for Medium-chain acyl-coenzyme A dehydrogenase deficiency. Review status: no assertion criteria provided. Collection method: clinical testing. Allele origin: maternal. Not counted in ClinVar's aggregate classification.

Neonatal Disease Screening Center, Medical Genetics Center, Huaihua City Maternal and Child Health Care Hospital
Classification: Pathogenic for Medium-chain acyl-coenzyme A dehydrogenase deficiency. Review status: no assertion criteria provided. Criteria: ACMG Guidelines, 2015. Collection method: clinical testing. Allele origin: germline. Affected: yes. Observed: 1 variant allele. Not counted in ClinVar's aggregate classification.
Comment: PVS1+PM2_P+PM3+PP4

Literature cited by the submitters: PubMed 19064330 (cited by 4 submitters); PubMed 16121256 (cited by Labcorp Genetics (formerly Invitae), Labcorp); PubMed 20434380 (cited by Labcorp Genetics (formerly Invitae), Labcorp); PubMed 15915086 (cited by 3 submitters); PubMed 22796001 (cited by Labcorp Genetics (formerly Invitae), Labcorp and Quest Diagnostics Nichols Institute San Juan Capistrano); PubMed 25503862 (cited by Labcorp Genetics (formerly Invitae), Labcorp and Quest Diagnostics Nichols Institute San Juan Capistrano); PubMed 27856190 (cited by Quest Diagnostics Nichols Institute San Juan Capistrano and OMIM); PubMed 33841490 (cited by Quest Diagnostics Nichols Institute San Juan Capistrano); PubMed 22542437 (cited by Quest Diagnostics Nichols Institute San Juan Capistrano); PubMed 18241067 (cited by Quest Diagnostics Nichols Institute San Juan Capistrano); PubMed 21239873 (cited by Quest Diagnostics Nichols Institute San Juan Capistrano); PubMed 24966162 (cited by Quest Diagnostics Nichols Institute San Juan Capistrano); PubMed 26947917 (cited by Quest Diagnostics Nichols Institute San Juan Capistrano); PubMed 19699128 (cited by Women's Health and Genetics/Laboratory Corporation of America, LabCorp).

NM_000016.6(ACADM):c.449_452del (p.Thr150fs)

Gene: ACADM (acyl-CoA dehydrogenase medium chain; plus strand). Cytogenetic location: 1p31.1.
Variant type: Deletion.
Coding change: c.449_452del on transcript NM_000016.6 (MANE Select); coding-DNA positions 449 to 452, 4 bases deleted (CTGA; older notation c.449_452delCTGA).
Protein change: p.Thr150fs; shifts the reading frame from threonine 150.
Molecular consequence: frameshift variant. On other transcripts: intron variant (1).
Genome position (GRCh38, 1-based): chr1:75,734,852-75,734,855, CTGA deleted; deleting any 4 consecutive bases within chr1:75,734,849-75,734,855 gives the same sequence; the c. name uses the placement nearest the transcript's 3' end. VCF-style (leftmost placement, unchanged base first): chr1-75734848-ATGAC-A. GRCh37 (hg19) VCF-style: chr1-76200533-ATGAC-A.
Other names: c.449_452delCTGA (NM_000016.5, NM_000016.6); c.446_449delTGAC (NM_000016.4); c.461_464del, p.Thr154fs (NM_001127328.3); c.341_344del, p.Thr114fs (NM_001286042.2); c.548_551del, p.Thr183fs (NM_001286043.2); c.-100+1930_-100+1933del (NM_001286044.2); short protein forms T150fs, T154fs, T183fs, T114fs.
Identifiers: ClinVar variation 189036 (VCV000189036.63), dbSNP rs786204642, ClinGen allele CA274299.